The following is an entry in ClinVar:

ClinVar aggregate classification (germline): Uncertain significance. Review status: criteria provided, multiple submitters, no conflicts (2 of 4 stars). 2 submissions from 2 submitters: Uncertain significance (2). Last evaluated 2023-09-29.

Conditions:
Inborn genetic diseases. Identifiers: MedGen C0950123, MeSH D030342.
Combined immunodeficiency due to LRBA deficiency. Also called: Common variable immunodeficiency 8, with autoimmunity. Identifiers: Orphanet 445018, MedGen C3553512, MONDO:0013863, OMIM 614700.

Submissions (2):

Ambry Genetics
Classification: Uncertain significance for Inborn genetic diseases. Last evaluated: 2023-09-29. Review status: criteria provided, single submitter. Criteria: Ambry Variant Classification Scheme 2023. Collection method: clinical testing. Allele origin: germline.

Labcorp Genetics (formerly Invitae), Labcorp
Classification: Uncertain significance for Combined immunodeficiency due to LRBA deficiency. Last evaluated: 2019-03-05. Review status: criteria provided, single submitter. Criteria: Invitae Variant Classification Sherloc (09022015). Collection method: clinical testing. Allele origin: germline.
Comment: In summary, the available evidence is currently insufficient to determine the role of this variant in disease. Therefore, it has been classified as a Variant of Uncertain Significance. Algorithms developed to predict the effect of missense changes on protein structure and function (SIFT, PolyPhen-2, Align-GVGD) all suggest that this variant is likely to be tolerated, but these predictions have not been confirmed by published functional studies and their clinical significance is uncertain. This variant has not been reported in the literature in individuals with LRBA-related conditions. This variant is not present in population databases (ExAC no frequency). This sequence change replaces isoleucine with valine at codon 662 of the LRBA protein (p.Ile662Val). The isoleucine residue is moderately conserved and there is a small physicochemical difference between isoleucine and valine.

NM_001364905.1(LRBA):c.1984A>G (p.Ile662Val)

Gene: LRBA (LPS responsive beige-like anchor protein; minus strand). Cytogenetic location: 4q31.3.
Variant type: single nucleotide variant.
Coding change: c.1984A>G on transcript NM_001364905.1 (MANE Select); coding-DNA position 1984, A replaced by G.
Protein change: p.Ile662Val; replaces isoleucine 662 with valine.
Molecular consequence: missense variant.
Genome position (GRCh38, 1-based): chr4:150,897,759, T>C on the plus strand (A>G on the coding strand, the complement: LRBA is on the minus strand). VCF-style: chr4-150897759-T-C. GRCh37 (hg19) VCF-style: chr4-151818911-T-C.
Other names: c.1984A>G, p.Ile662Val (NM_001199282.3, NM_001367550.1, NM_006726.5); short protein forms I662V.
Identifiers: ClinVar variation 854924 (VCV000854924.10), dbSNP rs1730257048, ClinGen allele CA358429509.